The following is an entry in ClinVar:

ClinVar aggregate classification (germline): Uncertain significance (1 of 4 stars; one submission).

Submission:

GeneDx
Classification: Uncertain significance. Last evaluated: 2023-06-20. Review status: criteria provided, single submitter. Criteria: GeneDx Variant Classification Process June 2021. Collection method: clinical testing. Allele origin: germline. Affected: yes.
Comment: Not observed at significant frequency in large population cohorts (gnomAD); In silico analysis supports that this missense variant has a deleterious effect on protein structure/function; Has not been previously published as pathogenic or benign to our knowledge

NM_002074.5(GNB1):c.364T>C (p.Ser122Pro)

Gene: GNB1 (G protein subunit beta 1; minus strand). Cytogenetic location: 1p36.33.
Variant type: single nucleotide variant.
Coding change: c.364T>C on transcript NM_002074.5 (MANE Select); coding-DNA position 364, T replaced by C.
Protein change: p.Ser122Pro; replaces serine 122 with proline.
Molecular consequence: missense variant.
Genome position (GRCh38, 1-based): chr1:1,804,485, A>G on the plus strand (T>C on the coding strand, the complement: GNB1 is on the minus strand). VCF-style: chr1-1804485-A-G. GRCh37 (hg19) VCF-style: chr1-1735924-A-G.
Other names: c.64T>C, p.Ser22Pro (NM_001282538.2); c.364T>C, p.Ser122Pro (NM_001282539.2); short protein forms S122P, S22P.
Identifiers: ClinVar variation 3360136 (VCV003360136.1).